The following is an entry in ClinVar:

NM_003079.5(SMARCE1):c.1028A>C (p.Glu343Ala)

Gene: SMARCE1 (SWI/SNF related BAF chromatin remodeling complex subunit E1; minus strand). Cytogenetic location: 17q21.2.
Variant type: single nucleotide variant.
Coding change: c.1028A>C on transcript NM_003079.5 (MANE Select); coding-DNA position 1028, A replaced by C.
Protein change: p.Glu343Ala; replaces glutamic acid 343 with alanine.
Molecular consequence: missense variant.
Genome position (GRCh38, 1-based): chr17:40,628,993, T>G on the plus strand (A>C on the coding strand, the complement: SMARCE1 is on the minus strand). VCF-style: chr17-40628993-T-G. GRCh37 (hg19) VCF-style: chr17-38785245-T-G.
Other names: short protein forms E343A.
Identifiers: ClinVar variation 2905474 (VCV002905474.3), dbSNP rs2508592943, ClinGen allele CA399361891.

ClinVar aggregate classification (germline): Uncertain significance (1 of 4 stars; one submission).

Conditions:
Familial meningioma. Also called: Meningioma, familial, susceptibility to. Identifiers: Orphanet 263662, MedGen C3551915, MONDO:0011789, OMIM 607174.

Submission:

Labcorp Genetics (formerly Invitae), Labcorp
Classification: Uncertain significance for Familial meningioma. Last evaluated: 2024-01-03. Review status: criteria provided, single submitter. Criteria: Invitae Variant Classification Sherloc (09022015). Collection method: clinical testing. Allele origin: germline.
Comment: This sequence change replaces glutamic acid, which is acidic and polar, with alanine, which is neutral and non-polar, at codon 343 of the SMARCE1 protein (p.Glu343Ala). This variant is not present in population databases (gnomAD no frequency). This variant has not been reported in the literature in individuals affected with SMARCE1-related conditions. An algorithm developed to predict the effect of missense changes on protein structure and function (PolyPhen-2) suggests that this variant is likely to be tolerated. In summary, the available evidence is currently insufficient to determine the role of this variant in disease. Therefore, it has been classified as a Variant of Uncertain Significance.